The following is an entry in ClinVar:

ClinVar aggregate classification (germline): Uncertain significance (1 of 4 stars; one submission).

Allele frequency attached by ClinVar (database versions not stated): TOPMed 0.00001.
gnomAD v4.1: 1 of 1,612,434 alleles (0.000062%); highest among the groups gnomAD compares: Admixed American, 0.0017%; no homozygotes.

Submission:

Labcorp Genetics (formerly Invitae), Labcorp
Classification: Uncertain significance. Last evaluated: 2022-11-24. Review status: criteria provided, single submitter. Criteria: Invitae Variant Classification Sherloc (09022015). Collection method: clinical testing. Allele origin: germline.
Comment: Advanced modeling of protein sequence and biophysical properties (such as structural, functional, and spatial information, amino acid conservation, physicochemical variation, residue mobility, and thermodynamic stability) performed at Invitae indicates that this missense variant is not expected to disrupt CPLANE1 protein function. This sequence change replaces histidine, which is basic and polar, with aspartic acid, which is acidic and polar, at codon 1260 of the CPLANE1 protein (p.His1260Asp). This variant is present in population databases (no rsID available, gnomAD 0.003%). This variant has not been reported in the literature in individuals affected with CPLANE1-related conditions. In summary, the available evidence is currently insufficient to determine the role of this variant in disease. Therefore, it has been classified as a Variant of Uncertain Significance.

NM_001384732.1(CPLANE1):c.3778C>G (p.His1260Asp)

Gene: CPLANE1 (ciliogenesis and planar polarity effector complex subunit 1; minus strand). Cytogenetic location: 5p13.2.
Variant type: single nucleotide variant.
Coding change: c.3778C>G on transcript NM_001384732.1 (MANE Select); coding-DNA position 3778, C replaced by G.
Protein change: p.His1260Asp; replaces histidine 1260 with aspartic acid.
Molecular consequence: missense variant.
Genome position (GRCh38, 1-based): chr5:37,195,891, G>C on the plus strand (C>G on the coding strand, the complement: CPLANE1 is on the minus strand). VCF-style: chr5-37195891-G-C. GRCh37 (hg19) VCF-style: chr5-37195993-G-C.
Other names: c.3778C>G, p.His1260Asp (NM_023073.4); short protein forms H1260D.
Identifiers: ClinVar variation 2874703 (VCV002874703.3), dbSNP rs768012177, ClinGen allele CA359509936.